The following is an entry in ClinVar:

ClinVar aggregate classification (germline): Likely benign (0 of 4 stars; one submission).

Conditions:
HIVEP3-related disorder. Also called: HIVEP3-related condition.

Allele frequency attached by ClinVar (database versions not stated): 1000 Genomes Project 0.00020; ExAC 0.00022; 1000 Genomes Project 30x 0.00031; gnomAD 0.00066; TOPMed 0.00084; ESP Exome Variant Server 0.00131.
gnomAD v4.1: 195 of 1,609,888 alleles (0.012%); highest among the groups gnomAD compares: African/African-American, 0.24%; no homozygotes.

Submission:

PreventionGenetics, part of Exact Sciences
Classification: Likely benign for HIVEP3-related condition. Last evaluated: 2019-08-09. Review status: no assertion criteria provided. Collection method: clinical testing. Allele origin: germline.
Comment: This variant is classified as likely benign based on ACMG/AMP sequence variant interpretation guidelines (Richards et al. 2015 PMID: 25741868, with internal and published modifications).

NM_024503.5(HIVEP3):c.1083G>A (p.Lys361=)

Gene: HIVEP3 (HIVEP zinc finger 3; minus strand). Cytogenetic location: 1p34.2.
Variant type: single nucleotide variant.
Coding change: c.1083G>A on transcript NM_024503.5 (MANE Select); coding-DNA position 1083, G replaced by A.
Protein change: p.Lys361=; no amino-acid change (lysine 361 retained).
Molecular consequence: synonymous variant.
Genome position (GRCh38, 1-based): chr1:41,583,715, C>T on the plus strand (G>A on the coding strand, the complement: HIVEP3 is on the minus strand). VCF-style: chr1-41583715-C-T. GRCh37 (hg19) VCF-style: chr1-42049386-C-T.
Other names: c.1083G>A, p.Lys361= (NM_001127714.3).
Identifiers: ClinVar variation 3034720 (VCV003034720.2), dbSNP rs146324975, ClinGen allele CA798322.